The following is an entry in ClinVar:

NM_001845.6(COL4A1):c.2517G>T (p.Pro839=)

Gene: COL4A1 (collagen type IV alpha 1 chain; minus strand). Cytogenetic location: 13q34.
Variant type: single nucleotide variant.
Coding change: c.2517G>T on transcript NM_001845.6 (MANE Select); coding-DNA position 2517, G replaced by T.
Protein change: p.Pro839=; no amino-acid change (proline 839 retained).
Molecular consequence: synonymous variant.
Genome position (GRCh38, 1-based): chr13:110,178,173, C>A on the plus strand (G>T on the coding strand, the complement: COL4A1 is on the minus strand). VCF-style: chr13-110178173-C-A. GRCh37 (hg19) VCF-style: chr13-110830520-C-A.
Identifiers: ClinVar variation 3339077 (VCV003339077.1).

ClinVar aggregate classification (germline): Likely benign (1 of 4 stars; one submission).

Submission:

Women's Health and Genetics/Laboratory Corporation of America, LabCorp
Classification: Likely benign. Last evaluated: 2024-07-08. Review status: criteria provided, single submitter. Criteria: LabCorp Variant Classification Summary - May 2015. Collection method: clinical testing. Allele origin: germline.
Comment: Variant summary: COL4A1 c.2517G>T alters a conserved nucleotide resulting in a synonymous change. Consensus agreement among computation tools predict no significant impact on normal splicing. However, these predictions have yet to be confirmed by functional studies. The variant was absent in 251464 control chromosomes (gnomAD). The available data on variant occurrences in the general population are insufficient to allow any conclusion about variant significance. To our knowledge, no occurrence of c.2517G>T in individuals affected with Porencephaly 1 and no experimental evidence demonstrating its impact on protein function have been reported. No submitters have cited clinical-significance assessments for this variant to ClinVar. Based on the evidence outlined above, the variant was classified as likely benign.